The following is an entry in ClinVar:

NM_017739.4(POMGNT1):c.1391C>T (p.Pro464Leu)

Genes: POMGNT1 (protein O-linked mannose N-acetylglucosaminyltransferase 1 (beta 1,2-); minus strand), TSPAN1 (tetraspanin 1; plus strand). Cytogenetic location: 1p34.1.
Variant type: single nucleotide variant.
Coding change: c.1391C>T on transcript NM_017739.4 (MANE Select); coding-DNA position 1391, C replaced by T.
Protein change: p.Pro464Leu; replaces proline 464 with leucine.
Molecular consequence: missense variant.
Genome position (GRCh38, 1-based): chr1:46,192,330, G>A on the plus strand (C>T on the coding strand, the complement: POMGNT1 is on the minus strand). VCF-style: chr1-46192330-G-A. GRCh37 (hg19) VCF-style: chr1-46658002-G-A.
Other names: c.1391C>T, p.Pro464Leu (NM_001243766.2, NM_001410783.1); c.1325C>T, p.Pro442Leu (NM_001290129.3); c.962C>T, p.Pro321Leu (NM_001290130.2); short protein forms P321L, P442L, P464L.
Identifiers: ClinVar variation 1952293 (VCV001952293.6), dbSNP rs2525386880, ClinGen allele CA340174927.
Genomic context (GRCh38, chr1:46,192,330, plus strand): 5'-AGGGGACTCCAGCCCCCTCACCCTACCCTGACAGTTACCTTTTCCGGTGTAGGCCACTTG[G>A]GCTCAAGCTCCTCCTTGTACAAGGACCTCCTGAGCACCCAGCCCAGCCCAGGCATGGTCT-3'
Protein context (NP_060209.4, residues 454-474): RRSLYKEELE[Pro464Leu]KWPTPEKLWD

ClinVar aggregate classification (germline): Uncertain significance. Review status: criteria provided, multiple submitters, no conflicts (2 of 4 stars). 2 submissions from 2 submitters: Uncertain significance (2). Last evaluated 2025-10-02.

Conditions:
Autosomal recessive limb-girdle muscular dystrophy type 2O. Also called: Limb-Girdle Muscular Dystrophy Type 3C; MUSCULAR DYSTROPHY-DYSTROGLYCANOPATHY (LIMB-GIRDLE), TYPE C, 3; MUSCULAR DYSTROPHY-DYSTROGLYCANOPATHY, LIMB-GIRDLE, POMGNT1-RELATED. Identifiers: Orphanet 206564, MedGen C3150417, MONDO:0013161, OMIM 613157.
Muscular dystrophy-dystroglycanopathy (congenital with impaired intellectual development), type B, 3. Also called: MUSCULAR DYSTROPHY, CONGENITAL, POMGNT1-RELATED; Muscular dystrophy-dystroglycanopathy (congenital with intellectual disability), type B3. Identifiers: MedGen C3150412, MONDO:0013155, OMIM 613151.
Inborn genetic diseases. Identifiers: MedGen C0950123, MeSH D030342.

Allele frequency attached by ClinVar (database versions not stated): gnomAD exomes below 0.00001.
gnomAD v4.1: 3 of 1,614,106 alleles (0.00019%); highest among the groups gnomAD compares: Non-Finnish European, 0.00017%; no homozygotes.

Submissions (2):

Labcorp Genetics (formerly Invitae), Labcorp
Classification: Uncertain significance for Autosomal recessive limb-girdle muscular dystrophy type 2O; Muscular dystrophy-dystroglycanopathy (congenital with impaired intellectual development), type B, 3. Last evaluated: 2025-10-02. Review status: criteria provided, single submitter. Criteria: Invitae Variant Classification Sherloc (09022015). Collection method: clinical testing. Allele origin: germline.
Comment: This sequence change replaces proline, which is neutral and non-polar, with leucine, which is neutral and non-polar, at codon 464 of the POMGNT1 protein (p.Pro464Leu). This variant is not present in population databases (gnomAD no frequency). This variant has not been reported in the literature in individuals affected with POMGNT1-related conditions. ClinVar contains an entry for this variant (Variation ID: 1952293). Invitae Evidence Modeling of protein sequence and biophysical properties (such as structural, functional, and spatial information, amino acid conservation, physicochemical variation, residue mobility, and thermodynamic stability) has been performed for this missense variant. However, the output from this modeling did not meet the statistical confidence thresholds required to predict the impact of this variant on POMGNT1 protein function. In summary, the available evidence is currently insufficient to determine the role of this variant in disease. Therefore, it has been classified as a Variant of Uncertain Significance.

Ambry Genetics
Classification: Uncertain significance for Inborn genetic diseases. Last evaluated: 2025-08-20. Review status: criteria provided, single submitter. Criteria: Ambry Variant Classification Scheme 2023. Collection method: clinical testing. Allele origin: germline.